The following is an entry in ClinVar:

NM_002857.4(PEX19):c.577A>T (p.Lys193Ter)

Gene: PEX19 (peroxisomal biogenesis factor 19; minus strand). Cytogenetic location: 1q23.2.
Variant type: single nucleotide variant.
Coding change: c.577A>T on transcript NM_002857.4 (MANE Select); coding-DNA position 577, A replaced by T.
Protein change: p.Lys193Ter; replaces lysine 193 with a stop codon.
Molecular consequence: nonsense. On other transcripts: non-coding transcript variant (2).
Genome position (GRCh38, 1-based): chr1:160,282,056, T>A on the plus strand (A>T on the coding strand, the complement: PEX19 is on the minus strand). VCF-style: chr1-160282056-T-A. GRCh37 (hg19) VCF-style: chr1-160251846-T-A.
Other names: c.577A>T, p.Lys193Ter (NM_001193644.1); short protein forms K193*.
Identifiers: ClinVar variation 2858439 (VCV002858439.3), dbSNP rs2525310933, ClinGen allele CA343259774.

ClinVar aggregate classification (germline): Pathogenic/Likely pathogenic. Review status: criteria provided, multiple submitters, no conflicts (2 of 4 stars). 2 submissions from 2 submitters: Pathogenic (1); Likely pathogenic (1). Last evaluated 2025-08-15.

Conditions:
Peroxisome biogenesis disorder 12A (Zellweger). Also called: Peroxisome biogenesis disorder 12A. Identifiers: Orphanet 912, MedGen C3554002, MONDO:0013951, OMIM 614886.

Submissions (2):

Variantyx, Inc.
Classification: Likely pathogenic for Peroxisome biogenesis disorder 12A (Zellweger). Last evaluated: 2025-08-15. Review status: criteria provided, single submitter. Criteria: Variantyx Assertion Criteria 2022. Collection method: clinical testing. Allele origin: germline. Inheritance: Autosomal recessive inheritance. Affected: no.
Comment: This is a nonsense variant in the PEX19 gene (OMIM: 600279). Pathogenic variants in this gene have been associated with autosomal recessive peroxisome biogenesis disorder 12A (Zellweger). This variant introduces a premature termination codon in exon 5 out of 8 and is expected to result in loss of function, which is a known disease mechanism for PEX19 in this disorder (PMID: 10051604, 20683989, 21031596) (PVS1). This variant is absent from control populations (PM2). Based on the current evidence, this variant is classified as likely pathogenic for autosomal recessive Peroxisome biogenesis disorder 12A (Zellweger).

Labcorp Genetics (formerly Invitae), Labcorp
Classification: Pathogenic for Peroxisome biogenesis disorder 12A (Zellweger). Last evaluated: 2023-12-15. Review status: criteria provided, single submitter. Criteria: Invitae Variant Classification Sherloc (09022015). Collection method: clinical testing. Allele origin: germline.
Comment: This sequence change creates a premature translational stop signal (p.Lys193*) in the PEX19 gene. It is expected to result in an absent or disrupted protein product. Loss-of-function variants in PEX19 are known to be pathogenic (PMID: 10051604, 20683989, 21031596). This variant is not present in population databases (gnomAD no frequency). This variant has not been reported in the literature in individuals affected with PEX19-related conditions. For these reasons, this variant has been classified as Pathogenic.

Literature cited by the submitters: PubMed 10051604 (cited by Variantyx, Inc. and Labcorp Genetics (formerly Invitae), Labcorp); PubMed 20683989 (cited by Variantyx, Inc. and Labcorp Genetics (formerly Invitae), Labcorp); PubMed 21031596 (cited by Variantyx, Inc. and Labcorp Genetics (formerly Invitae), Labcorp).